The following is an entry in ClinVar:

NM_007294.4(BRCA1):c.722C>T (p.Pro241Leu)

Gene: BRCA1 (BRCA1 DNA repair associated; minus strand). Cytogenetic location: 17q21.31.
Variant type: single nucleotide variant.
Coding change: c.722C>T on transcript NM_007294.4 (MANE Select); coding-DNA position 722, C replaced by T.
Protein change: p.Pro241Leu; replaces proline 241 with leucine.
Molecular consequence: missense variant. On other transcripts: non-coding transcript variant (1).
Genome position (GRCh38, 1-based): chr17:43,094,809, G>A on the plus strand (C>T on the coding strand, the complement: BRCA1 is on the minus strand). VCF-style: chr17-43094809-G-A. GRCh37 (hg19) VCF-style: chr17-41246826-G-A.
Other names: c.719C>T, p.Pro240Leu (NM_001407633.1, NM_001407634.1, NM_001407635.1 and 38 more transcripts); c.722C>T, p.Pro241Leu (NM_001407639.1, NM_001407640.1, NM_001407641.1 and 54 more transcripts); c.713C>T, p.Pro238Leu (NM_001407646.1, NM_001407647.1, NM_001408408.1); c.599C>T, p.Pro200Leu (NM_001407648.1, NM_001407664.1, NM_001407665.1 and 34 more transcripts); c.596C>T, p.Pro199Leu (NM_001407649.1, NM_001407670.1, NM_001407671.1 and 20 more transcripts); c.644C>T, p.Pro215Leu (NM_001407653.1, NM_001407654.1, NM_001407655.1 and 9 more transcripts); c.641C>T, p.Pro214Leu (NM_001407659.1, NM_001407660.1, NM_001407661.1 and 3 more transcripts); c.581C>T, p.Pro194Leu (NM_001407692.1, NM_001407694.1, NM_001407695.1 and 43 more transcripts); and 14 more; short protein forms P241L, P194L, P152L, P171L, P199L, P114L, P170L, P196L.
Identifiers: ClinVar variation 55679 (VCV000055679.29), dbSNP rs80357351, ClinGen allele CA003835.
Genomic context (GRCh38, chr17:43,094,809, plus strand): 5'-TACTTTTCTGGATGCCTCTCAGCTGCACGCTTCTCAGTGGTGTTCAAATCATTATTACTG[G>A]GTTGATGATGTTCAGTATTTGTTACATCCGTCTCAGAAAATTCACAAGCAGCTGAAAATA-3'
Protein context (NP_009225.1, residues 231-251): TDVTNTEHHQ[Pro241Leu]SNNDLNTTEK

ClinVar aggregate classification (germline): Conflicting classifications of pathogenicity. Review status: criteria provided, conflicting classifications (1 of 4 stars). 7 submissions from 7 submitters: Uncertain significance (4); Likely benign (2). 1 of the submissions does not count toward it. Last evaluated 2026-05-04.

Conditions:
Hereditary cancer-predisposing syndrome. Also called: Hereditary Cancer Syndrome; Hereditary neoplastic syndrome; Neoplastic Syndromes, Hereditary; Tumor predisposition. Identifiers: Orphanet 140162, MedGen C0027672, MeSH D009386, MONDO:0015356.
Hereditary breast ovarian cancer syndrome. Also called: BRCA1- and BRCA2-Associated Hereditary Breast and Ovarian Cancer; Hereditary breast and ovarian cancer syndrome; Hereditary breast and ovarian cancer syndrome (HBOC); Breast and ovarian cancer; Hereditary breast and/or ovarian cancer syndrome; Hereditary breast and ovarian cancer. Identifiers: Orphanet 145, MedGen C0677776, MeSH D061325, MONDO:0003582. Disease mechanism: loss of function.
Breast-ovarian cancer, familial, susceptibility to, 1 (BROVCA1). Also called: BRCA1 Hereditary Breast and Ovarian Cancer; OVARIAN CANCER, SUSCEPTIBILITY TO. Identifiers: Orphanet 145, MedGen C2676676, MONDO:0011450, OMIM 604370. Disease mechanism: loss of function.

gnomAD v4.1: 8 of 1,613,340 alleles (0.0005%); highest among the groups gnomAD compares: Non-Finnish European, 0.00051%; no homozygotes.

Submissions (7):

Women's Health and Genetics/Laboratory Corporation of America, LabCorp
Classification: Uncertain significance. Last evaluated: 2026-05-04. Review status: criteria provided, single submitter. Criteria: LabCorp Variant Classification Summary - May 2015. Collection method: clinical testing. Allele origin: germline.
Comment: Variant summary: BRCA1 c.722C>T (p.Pro241Leu) results in a non-conservative amino acid change in the encoded protein sequence. Algorithms developed to predict the effect of missense changes on protein structure and function are either unavailable or do not agree on the potential impact of this missense change. The variant was absent in 250012 control chromosomes. The available data on variant occurrences in the general population are insufficient to allow any conclusion about variant significance. To our knowledge, no occurrence of c.722C>T in individuals affected with BRCA1-related conditions and no experimental evidence demonstrating its impact on protein function have been reported. ClinVar contains an entry for this variant (Variation ID: 55679). Based on the evidence outlined above, the variant was classified as uncertain significance.

Labcorp Genetics (formerly Invitae), Labcorp
Classification: Likely benign for Hereditary breast ovarian cancer syndrome. Last evaluated: 2025-09-16. Review status: criteria provided, single submitter. Criteria: Invitae Variant Classification Sherloc (09022015). Collection method: clinical testing. Allele origin: germline.

Quest Diagnostics Nichols Institute San Juan Capistrano
Classification: Uncertain significance. Last evaluated: 2025-05-20. Review status: criteria provided, single submitter. Criteria: Quest Diagnostics criteria. Collection method: clinical testing. Allele origin: unknown.
Comment: The BRCA1 c.722C>T (p.Pro241Leu) variant has been reported in the published literature in an individual with breast cancer (PMID: 33471991 (2021), see also LOVD) and has been reported to be located in a region of the BRCA1 gene that is tolerant to missense sequence changes (PMID: 31911673 (2020)). In addition, this variant was reported as a variant of uncertain significance in a multifactorial likelihood study (PMID: 31131967 (2019)). This variant has not been reported in large, multi-ethnic general populations (Genome Aggregation Database). Analysis of this variant using bioinformatics tools for the prediction of the effect of amino acid changes on protein structure and function yielded predictions that this variant is benign. Based on the available information, we are unable to determine the clinical significance of this variant.

Ambry Genetics
Classification: Uncertain significance for Hereditary cancer-predisposing syndrome. Last evaluated: 2024-12-20. Review status: criteria provided, single submitter. Criteria: Ambry Variant Classification Scheme 2023. Collection method: clinical testing. Allele origin: germline.
Comment: The p.P241L variant (also known as c.722C>T), located in coding exon 9 of the BRCA1 gene, results from a C to T substitution at nucleotide position 722. The proline at codon 241 is replaced by leucine, an amino acid with similar properties. This amino acid position is poorly conserved in available vertebrate species. In addition, the in silico prediction for this alteration is inconclusive. Since supporting evidence is limited at this time, the clinical significance of this alteration remains unclear.

University of Washington Department of Laboratory Medicine, University of Washington
Classification: Likely benign for Hereditary cancer-predisposing syndrome. Last evaluated: 2023-03-23. Review status: criteria provided, single submitter. Criteria: Dines et al. (Genet Med. 2020). Collection method: curation. Allele origin: germline.
Comment: Missense variant in a coldspot region where missense variants are very unlikely to be pathogenic (PMID:31911673).

BRCA1 coldspot (exon 11 using historical exon numbering). Reclassification based on statistical prior probability

Color Diagnostics, LLC DBA Color Health
Classification: Uncertain significance for Hereditary cancer-predisposing syndrome. Last evaluated: 2022-04-25. Review status: criteria provided, single submitter. Criteria: ACMG Guidelines, 2015. Collection method: clinical testing. Allele origin: germline.
Comment: This missense variant replaces proline with leucine at codon 241 of the BRCA1 protein. Computational prediction is inconclusive regarding the impact of this variant on protein structure and function (internally defined REVEL score threshold 0.5 < inconclusive < 0.7, PMID: 27666373). To our knowledge, functional studies have not been reported for this variant. This variant has been reported in an individual affected with breast cancer (PMID: 33471991; Leiden Open Variation Database DB-ID BRCA1_006559) and reported to have a family history likelihood ratio for pathogenicity of 0.253 (PMID: 31131967). This variant has not been identified in the general population by the Genome Aggregation Database (gnomAD). The available evidence is insufficient to determine the role of this variant in disease conclusively. Therefore, this variant is classified as a Variant of Uncertain Significance.

Breast Cancer Information Core (BIC) (BRCA1)
Classification: Uncertain significance for Breast-ovarian cancer, familial 1. Last evaluated: 2004-11-25. Review status: no assertion criteria provided. Collection method: clinical testing. Allele origin: germline. Affected: yes. Observed: 1 variant allele. Not counted in ClinVar's aggregate classification.

Literature cited by the submitters: PubMed 31112341 (cited by Women's Health and Genetics/Laboratory Corporation of America, LabCorp); PubMed 33471991 (cited by Quest Diagnostics Nichols Institute San Juan Capistrano and Color Diagnostics, LLC DBA Color Health); PubMed 31911673 (cited by Quest Diagnostics Nichols Institute San Juan Capistrano); PubMed 31131967 (cited by Quest Diagnostics Nichols Institute San Juan Capistrano and Color Diagnostics, LLC DBA Color Health).